The following is an entry in ClinVar:

ClinVar aggregate classification (germline): Uncertain significance (1 of 4 stars; one submission).

Conditions:
Cardiovascular phenotype. Identifiers: MedGen CN230736.

Allele frequency attached by ClinVar (database versions not stated): gnomAD exomes below 0.00001; TOPMed below 0.00001.

Submission:

Ambry Genetics
Classification: Uncertain significance for Cardiovascular phenotype. Last evaluated: 2023-04-09. Review status: criteria provided, single submitter. Criteria: Ambry Variant Classification Scheme 2023. Collection method: clinical testing. Allele origin: germline.
Comment: The p.N125S variant (also known as c.374A>G), located in coding exon 2 of the LMF1 gene, results from an A to G substitution at nucleotide position 374. The asparagine at codon 125 is replaced by serine, an amino acid with highly similar properties. This amino acid position is conserved. In addition, this alteration is predicted to be tolerated by in silico analysis. Since supporting evidence is limited at this time, the clinical significance of this alteration remains unclear.

NM_022773.4(LMF1):c.374A>G (p.Asn125Ser)

Gene: LMF1 (lipase maturation factor 1; minus strand). Cytogenetic location: 16p13.3.
Variant type: single nucleotide variant.
Coding change: c.374A>G on transcript NM_022773.4 (MANE Select); coding-DNA position 374, A replaced by G.
Protein change: p.Asn125Ser; replaces asparagine 125 with serine.
Molecular consequence: missense variant. On other transcripts: 5 prime UTR variant (3), non-coding transcript variant (1).
Genome position (GRCh38, 1-based): chr16:954,486, T>C on the plus strand (A>G on the coding strand, the complement: LMF1 is on the minus strand). VCF-style: chr16-954486-T-C. GRCh37 (hg19) VCF-style: chr16-1004486-T-C.
Other names: c.-430A>G (NM_001352017.2); c.-181A>G (NM_001352018.2); c.47A>G, p.Asn16Ser (NM_001352019.2); c.374A>G, p.Asn125Ser (NM_001352020.1); c.-332A>G (NM_001352021.2); short protein forms N125S, N16S.
Identifiers: ClinVar variation 2566288 (VCV002566288.2), dbSNP rs2072617805, ClinGen allele CA394104608.